The following is an entry in ClinVar:

ClinVar aggregate classification (germline): Uncertain significance. Review status: criteria provided, multiple submitters, no conflicts (2 of 4 stars). 2 submissions from 2 submitters: Uncertain significance (2). Last evaluated 2024-12-16.

Conditions:
Joubert syndrome. Also called: Familial aplasia of the vermis; CEREBELLOPARENCHYMAL DISORDER IV; JOUBERT-BOLTSHAUSER SYNDROME. Identifiers: Orphanet 475, MedGen C5979921, MONDO:0018772.
Meckel-Gruber syndrome. Also called: Dysencephalia splachnocystica; DYSENCEPHALIA SPLANCHNOCYSTICA; GRUBER SYNDROME. Identifiers: Orphanet 564, MedGen C0265215, MONDO:0018921.
Nephronophthisis. Also called: Juvenile Nephronophthisis. Identifiers: Orphanet 655, MedGen C0687120, MONDO:0019005, HP:0000090.
Leber congenital amaurosis 10 (LCA10). Identifiers: Orphanet 65, MedGen C1857821, MONDO:0012723, OMIM 611755.
Meckel syndrome, type 4 (MKS4). Also called: MECKEL-GRUBER SYNDROME, TYPE 4. Identifiers: Orphanet 564, MedGen C1970161, MONDO:0012626, OMIM 611134.
Joubert syndrome 5 (JBTS5). Identifiers: Orphanet 2318, MedGen C1857780, MONDO:0012432, OMIM 610188.
Bardet-Biedl syndrome 14 (BBS14). Identifiers: Orphanet 110, MedGen C2673874, MONDO:0014442, OMIM 615991.
Senior-Loken syndrome 6 (SLSN6). Identifiers: Orphanet 3156, MedGen C1857779, MONDO:0012433, OMIM 610189.

Allele frequency attached by ClinVar (database versions not stated): TOPMed below 0.00001.

Submissions (2):

Labcorp Genetics (formerly Invitae), Labcorp
Classification: Uncertain significance for Joubert syndrome; Meckel-Gruber syndrome; Nephronophthisis. Last evaluated: 2024-12-16. Review status: criteria provided, single submitter. Criteria: Invitae Variant Classification Sherloc (09022015). Collection method: clinical testing. Allele origin: germline.
Comment: This sequence change replaces glutamic acid, which is acidic and polar, with alanine, which is neutral and non-polar, at codon 121 of the CEP290 protein (p.Glu121Ala). This variant is not present in population databases (gnomAD no frequency). This variant has not been reported in the literature in individuals affected with CEP290-related conditions. ClinVar contains an entry for this variant (Variation ID: 1037074). Invitae Evidence Modeling of protein sequence and biophysical properties (such as structural, functional, and spatial information, amino acid conservation, physicochemical variation, residue mobility, and thermodynamic stability) indicates that this missense variant is expected to disrupt CEP290 protein function with a positive predictive value of 80%. In summary, the available evidence is currently insufficient to determine the role of this variant in disease. Therefore, it has been classified as a Variant of Uncertain Significance.

Fulgent Genetics
Classification: Uncertain significance for Joubert syndrome 5; Senior-Loken syndrome 6; Meckel syndrome, type 4; Leber congenital amaurosis 10; Bardet-Biedl syndrome 14. Last evaluated: 2021-07-24. Review status: criteria provided, single submitter. Criteria: ACMG Guidelines, 2015. Collection method: clinical testing. Allele origin: unknown.

NM_025114.4(CEP290):c.362A>C (p.Glu121Ala)

Gene: CEP290 (centrosomal protein 290; minus strand). Cytogenetic location: 12q21.32.
Variant type: single nucleotide variant.
Coding change: c.362A>C on transcript NM_025114.4 (MANE Select); coding-DNA position 362, A replaced by C.
Protein change: p.Glu121Ala; replaces glutamic acid 121 with alanine.
Molecular consequence: missense variant.
Genome position (GRCh38, 1-based): chr12:88,136,722, T>G on the plus strand (A>C on the coding strand, the complement: CEP290 is on the minus strand). VCF-style: chr12-88136722-T-G. GRCh37 (hg19) VCF-style: chr12-88530499-T-G.
Other names: short protein forms E121A.
Identifiers: ClinVar variation 1037074 (VCV001037074.5), dbSNP rs2040372439, ClinGen allele CA385987521.
Genomic context (GRCh38, chr12:88,136,722, plus strand): 5'-TCTTTCTCCAACTCCTTTTCCATGTCCTCCAATTCTCTATCTTTTTGTTCTAATTGTTTT[T>G]CAAGTTGGCAAATTTCATTACGTAAAAACCGAGTATCTCGTCCACCTGCAGACTGCTGAG-3'
Protein context (NP_079390.3, residues 111-131): RFLRNEICQL[Glu121Ala]KQLEQKDREL